The following is an entry in ClinVar:

ClinVar aggregate classification (germline): Benign (1 of 4 stars; one submission).

Submission:

GeneDx
Classification: Benign. Last evaluated: 2018-06-14. Review status: criteria provided, single submitter. Criteria: GeneDx Variant Classification (06012015). Collection method: clinical testing. Allele origin: germline. Affected: yes.
Comment: This variant is considered likely benign or benign based on one or more of the following criteria: it is a conservative change, it occurs at a poorly conserved position in the protein, it is predicted to be benign by multiple in silico algorithms, and/or has population frequency not consistent with disease.

NM_006939.4(SOS2):c.1068+114_1068+117del

Gene: SOS2 (SOS Ras/Rho guanine nucleotide exchange factor 2; minus strand). Cytogenetic location: 14q21.3.
Variant type: Deletion.
Coding change: c.1068+114_1068+117del on transcript NM_006939.4 (MANE Select); bases 114 to 117 of the intron after coding-DNA position 1068, 4 bases deleted (TTTA; older notation c.1068+114_1068+117delTTTA).
Molecular consequence: intron variant.
Genome position (GRCh38, 1-based): chr14:50,174,337-50,174,340, TAAA deleted on the plus strand (TTTA on the coding strand, the reverse complement: SOS2 is on the minus strand); deleting any 4 consecutive bases within chr14:50,174,337-50,174,342 gives the same sequence; the c. name uses the placement nearest the transcript's 3' end. VCF-style (leftmost placement, unchanged base first): chr14-50174336-TTAAA-T. GRCh37 (hg19) VCF-style: chr14-50641054-TTAAA-T.
Other names: c.1068+114_1068+117delTTTA (NM_006939.2).
Identifiers: ClinVar variation 561596 (VCV000561596.1), dbSNP rs34333845, ClinGen allele CA260746852.